The following is an entry in ClinVar:

NM_000466.3(PEX1):c.1769_1770del (p.Leu590fs)

Gene: PEX1 (peroxisomal biogenesis factor 1; minus strand). Cytogenetic location: 7q21.2.
Variant type: Deletion.
Coding change: c.1769_1770del on transcript NM_000466.3 (MANE Select); coding-DNA positions 1769 to 1770, 2 bases deleted (TT; older notation c.1769_1770delTT).
Protein change: p.Leu590fs; shifts the reading frame from leucine 590.
Molecular consequence: frameshift variant.
Genome position (GRCh38, 1-based): chr7:92,507,027-92,507,028, AA deleted on the plus strand (TT on the coding strand, the reverse complement: PEX1 is on the minus strand). VCF-style (leftmost placement, unchanged base first): chr7-92507026-TAA-T. GRCh37 (hg19) VCF-style: chr7-92136340-TAA-T.
Other names: c.1769_1770del, p.Leu590fs (NM_001282677.2); c.1145_1146del, p.Leu382fs (NM_001282678.2); short protein forms L382fs, L590fs.
Identifiers: ClinVar variation 1724705 (VCV001724705.3), dbSNP rs2484676279, ClinGen allele CA2580077834.
Genomic context (GRCh38, chr7:92,507,026, plus strand): 5'-GAAAAATGAACACACCTTAACCACTTACCTTTCCTCCTGTGAGTAAAAGAGCTCCATTCC[TAA>T]GTCCTGCAACAAGAGACATCAGCTGCCGAGACAAAGGGCGTCCCAGGAGGCTGTGAGTGA-3'

ClinVar aggregate classification (germline): Likely pathogenic (1 of 4 stars; one submission).

Conditions:
Peroxisome biogenesis disorder. Identifiers: Orphanet 79189, MedGen C1832200, MONDO:0019234. Disease mechanism: loss of function.

Submission:

Myriad Genetics, Inc.
Classification: Likely pathogenic for Peroxisome biogenesis disorder. Last evaluated: 2022-02-25. Review status: criteria provided, single submitter. Criteria: Myriad Autosomal Dominant, Autosomal Recessive and X-Linked Classification Criteria (2023). Collection method: clinical testing. Allele origin: unknown.
Comment: NM_000466.2(PEX1):c.1769_1770delTT(L590Qfs*24) is expected to be pathogenic in the context of peroxisome biogenesis disorder type 1. This variant is predicted to lead to an abnormal or absent protein product due to the creation of a premature termination codon in PEX1, a gene where loss-of-function variants are known to be pathogenic. Please note: this variant was assessed in the context of healthy population screening.